The following is an entry in ClinVar:

NM_138615.3(DHX30):c.3519G>A (p.Ala1173=)

Gene: DHX30 (DExH-box helicase 30; plus strand). Cytogenetic location: 3p21.31.
Variant type: single nucleotide variant.
Coding change: c.3519G>A on transcript NM_138615.3 (MANE Select); coding-DNA position 3519, G replaced by A.
Protein change: p.Ala1173=; no amino-acid change (alanine 1173 retained).
Molecular consequence: synonymous variant.
Genome position (GRCh38, 1-based): chr3:47,850,054, G>A. VCF-style: chr3-47850054-G-A. GRCh37 (hg19) VCF-style: chr3-47891544-G-A.
Other names: c.3435G>A, p.Ala1145= (NM_001330990.2); c.3402G>A, p.Ala1134= (NM_014966.4).
Identifiers: ClinVar variation 2653783 (VCV002653783.24), dbSNP rs779415996, ClinGen allele CA2370429.

ClinVar aggregate classification (germline): Likely benign (1 of 4 stars; one submission).

gnomAD v4.1: 19 of 1,599,646 alleles (0.0012%); highest among the groups gnomAD compares: Non-Finnish European, 0.0014%; no homozygotes.

Submission:

CeGaT Center for Human Genetics Tuebingen
Classification: Likely benign. Last evaluated: 2023-04-01. Review status: criteria provided, single submitter. Criteria: CeGaT Center For Human Genetics Tuebingen Variant Classification Criteria Version 2. Collection method: clinical testing. Allele origin: germline. Affected: yes. Observed: 1 variant allele.
Comment: DHX30: BP4, BP7